The following is an entry in ClinVar:

NM_017838.4(NHP2):c.388_395dup (p.His132fs)

Genes: NHP2 (NHP2 ribonucleoprotein; minus strand), RMND5B (required for meiotic nuclear division 5 homolog B; plus strand). Cytogenetic location: 5q35.3.
Variant type: Duplication.
Coding change: c.388_395dup on transcript NM_017838.4 (MANE Select); coding-DNA positions 388 to 395, 8 bases duplicated (AAGCCCCA; older notation c.388_395dupAAGCCCCA).
Protein change: p.His132fs; shifts the reading frame from histidine 132.
Molecular consequence: frameshift variant. On other transcripts: 3 prime UTR variant (5).
Genome position (GRCh38, 1-based): chr5:178,149,780-178,149,787, TGGGGCTT duplicated on the plus strand (AAGCCCCA on the coding strand, the reverse complement: NHP2 is on the minus strand). VCF-style (leftmost placement, unchanged base first): chr5-178149779-A-ATGGGGCTT. GRCh37 (hg19) VCF-style: chr5-177576780-A-ATGGGGCTT.
Other names: c.388_395dupAAGCCCCA (NM_017838.3); c.*9_*16dup (NM_001034833.2, NM_001396110.1); c.*1748_*1755dup (NM_001288794.2, NM_001288795.2, NM_022762.5); short protein forms H132fs.
Identifiers: ClinVar variation 572989 (VCV000572989.5), dbSNP rs755460344, ClinGen allele CA3589110.
Genomic context (GRCh38, chr5:178,149,779, plus strand): 5'-GGGTAGGGGCAGGGACTGCACCTCCTCCAGGCACTCATCGTAAGCCTCCTGGTACTCCTC[A>ATGGGGCTT]TGGGGCTTGACCATTATCACACAGGTGGGGCGCTTGGAGCCTGCGGCTGCACCCAGGTCC-3'

ClinVar aggregate classification (germline): Uncertain significance (1 of 4 stars; one submission).

Conditions:
Dyskeratosis congenita. Identifiers: Orphanet 1775, MedGen C0265965, MONDO:0015780.

Allele frequency attached by ClinVar (database versions not stated): TOPMed below 0.00001; ExAC 0.00002; gnomAD exomes 0.00003.

Submission:

Labcorp Genetics (formerly Invitae), Labcorp
Classification: Uncertain significance for Dyskeratosis congenita. Last evaluated: 2018-01-22. Review status: criteria provided, single submitter. Criteria: Invitae Variant Classification Sherloc (09022015). Collection method: clinical testing. Allele origin: germline.
Comment: In summary, the available evidence is currently insufficient to determine the role of this variant in disease. Therefore, it has been classified as a Variant of Uncertain Significance. This variant has not been reported in the literature in individuals with NHP2-related disease. The frequency data for this variant in the population databases is considered unreliable, as metrics indicate poor data quality at this position in the ExAC database. This sequence change results in a premature translational stop signal in the NHP2 gene (p.His132Glnfs*30). While this is not anticipated to result in nonsense mediated decay, it is expected to disrupt the last 22 amino acids of the NHP2 protein.